The following is an entry in ClinVar:

ClinVar aggregate classification (germline): Uncertain significance (1 of 4 stars; one submission).

Conditions:
Microcephaly and chorioretinopathy 1. Also called: Microcephaly and chorioretinopathy, autosomal recessive, 1. Identifiers: MedGen C3278481, MONDO:0009624, OMIM 251270.

Submission:

Foundation for Research in Genetics and Endocrinology, FRIGE's Institute of Human Genetics
Classification: Uncertain significance for Microcephaly and chorioretinopathy 1. Last evaluated: 2022-01-08. Review status: criteria provided, single submitter. Criteria: ACMG Guidelines, 2015. Collection method: clinical testing. Allele origin: germline. Inheritance: Autosomal recessive inheritance. Affected: yes. Observed: 1 heterozygote.
Comment: A heterozygous missense variation in exon 1 of the TUBGCP6 gene (chr22:g.50244143T>A; Depth: 462x) that results in the amino acid substitution of Valine for Glutamic Acid at codon 106 (p.Glu106Val; ENST00000248846.10) was detected. The p.Glu106Val variant has not been reported in the 1000 genomes and gnomAD databases. The in silico predictions of the variant are probably damaging by PolyPhen-2 (HumDiv) and damaging by SIFT. The reference codon is conserved across species.

NM_020461.4(TUBGCP6):c.317A>T (p.Glu106Val)

Gene: TUBGCP6 (tubulin gamma complex component 6; minus strand). Cytogenetic location: 22q13.33.
Variant type: single nucleotide variant.
Coding change: c.317A>T on transcript NM_020461.4 (MANE Select); coding-DNA position 317, A replaced by T.
Protein change: p.Glu106Val; replaces glutamic acid 106 with valine.
Molecular consequence: missense variant.
Genome position (GRCh38, 1-based): chr22:50,244,143, T>A on the plus strand (A>T on the coding strand, the complement: TUBGCP6 is on the minus strand). VCF-style: chr22-50244143-T-A. GRCh37 (hg19) VCF-style: chr22-50682572-T-A.
Other names: p.Glu106Val; short protein forms E106V.
Identifiers: ClinVar variation 1703723 (VCV001703723.3), dbSNP rs2519212810, ClinGen allele CA412115844.